The following is an entry in ClinVar:

ClinVar aggregate classification (germline): Conflicting classifications of pathogenicity. Review status: criteria provided, conflicting classifications (1 of 4 stars). 4 submissions from 4 submitters: Uncertain significance (3); Likely benign (1). Last evaluated 2026-03-06.

Conditions:
Inborn genetic diseases. Identifiers: MedGen C0950123, MeSH D030342.

Allele frequency attached by ClinVar (database versions not stated): 1000 Genomes Project 30x 0.00016; 1000 Genomes Project 0.00020; gnomAD exomes 0.00003; TOPMed 0.00006; gnomAD 0.00007; ExAC 0.00009.
gnomAD v4.1: 63 of 1,604,342 alleles (0.0039%); highest among the groups gnomAD compares: Admixed American, 0.041%; no homozygotes.

Submissions (4):

GeneDx
Classification: Uncertain significance. Last evaluated: 2026-03-06. Review status: criteria provided, single submitter. Criteria: GeneDx Variant Classification Process June 2021. Collection method: clinical testing. Allele origin: germline.
Comment: In silico analysis supports that this missense variant has a deleterious effect on protein structure/function; Has not been previously published as pathogenic or benign to our knowledge

Labcorp Genetics (formerly Invitae), Labcorp
Classification: Likely benign. Last evaluated: 2024-10-21. Review status: criteria provided, single submitter. Criteria: Invitae Variant Classification Sherloc (09022015). Collection method: clinical testing. Allele origin: germline.

Ambry Genetics
Classification: Uncertain significance for Inborn genetic diseases. Last evaluated: 2024-10-01. Review status: criteria provided, single submitter. Criteria: Ambry Variant Classification Scheme 2023. Collection method: clinical testing. Allele origin: germline.

Blueprint Genetics
Classification: Uncertain significance. Last evaluated: 2022-06-07. Review status: criteria provided, single submitter. Criteria: ACMG Guidelines, 2015. Collection method: clinical testing. Allele origin: germline.

NM_016239.4(MYO15A):c.8782G>A (p.Asp2928Asn)

Gene: MYO15A (myosin XVA; plus strand). Cytogenetic location: 17p11.2.
Variant type: single nucleotide variant.
Coding change: c.8782G>A on transcript NM_016239.4 (MANE Select); coding-DNA position 8782, G replaced by A.
Protein change: p.Asp2928Asn; replaces aspartic acid 2928 with asparagine.
Molecular consequence: missense variant.
Genome position (GRCh38, 1-based): chr17:18,157,224, G>A. VCF-style: chr17-18157224-G-A. GRCh37 (hg19) VCF-style: chr17-18060538-G-A.
Other names: c.8782G>A (NM_016239.3); short protein forms D2928N.
Identifiers: ClinVar variation 2721074 (VCV002721074.6), dbSNP rs539109194, ClinGen allele CA8425257.